The following is an entry in ClinVar:

NM_004369.4(COL6A3):c.5432A>G (p.Gln1811Arg)

Gene: COL6A3 (collagen type VI alpha 3 chain; minus strand). Cytogenetic location: 2q37.3.
Variant type: single nucleotide variant.
Coding change: c.5432A>G on transcript NM_004369.4 (MANE Select); coding-DNA position 5432, A replaced by G.
Protein change: p.Gln1811Arg; replaces glutamine 1811 with arginine.
Molecular consequence: missense variant.
Genome position (GRCh38, 1-based): chr2:237,366,755, T>C on the plus strand (A>G on the coding strand, the complement: COL6A3 is on the minus strand). VCF-style: chr2-237366755-T-C. GRCh37 (hg19) VCF-style: chr2-238275398-T-C.
Other names: c.3611A>G, p.Gln1204Arg (NM_057166.5); c.4814A>G, p.Gln1605Arg (NM_057167.4); short protein forms Q1811R, Q1204R, Q1605R.
Identifiers: ClinVar variation 839042 (VCV000839042.10), dbSNP rs751626953, ClinGen allele CA2188670.

ClinVar aggregate classification (germline): Uncertain significance (1 of 4 stars; one submission).

Conditions:
Bethlem myopathy 1A. Also called: MYOPATHY, BENIGN CONGENITAL, WITH CONTRACTURES; Bethlem Muscular Dystrophy; Bethlem myopathy 1. Identifiers: Orphanet 610, MedGen CN029274, MONDO:0024530, OMIM 158810.

Allele frequency attached by ClinVar (database versions not stated): gnomAD exomes below 0.00001 and 0.00001; ExAC 0.00001; gnomAD 0.00001.
gnomAD v4.1: 6 of 1,614,144 alleles (0.00037%); highest among the groups gnomAD compares: Non-Finnish European, 0.00051%; no homozygotes.

Submission:

Labcorp Genetics (formerly Invitae), Labcorp
Classification: Uncertain significance for Bethlem myopathy 1A. Last evaluated: 2019-03-13. Review status: criteria provided, single submitter. Criteria: Invitae Variant Classification Sherloc (09022015). Collection method: clinical testing. Allele origin: germline.
Comment: Algorithms developed to predict the effect of missense changes on protein structure and function are either unavailable or do not agree on the potential impact of this missense change (SIFT: "Tolerated"; PolyPhen-2: "Possibly Damaging"; Align-GVGD: "Class C0"). In summary, the available evidence is currently insufficient to determine the role of this variant in disease. Therefore, it has been classified as a Variant of Uncertain Significance. This variant has not been reported in the literature in individuals with COL6A3-related conditions. This variant is present in population databases (rs751626953, ExAC 0.001%). This sequence change replaces glutamine with arginine at codon 1811 of the COL6A3 protein (p.Gln1811Arg). The glutamine residue is highly conserved and there is a small physicochemical difference between glutamine and arginine.